The following is an entry in ClinVar:

NM_000153.4(GALC):c.1162-2A>G

Gene: GALC (galactosylceramidase; minus strand). Cytogenetic location: 14q31.3.
Variant type: single nucleotide variant.
Coding change: c.1162-2A>G on transcript NM_000153.4 (MANE Select); the canonical splice acceptor site of the intron before coding-DNA position 1162, A replaced by G.
Molecular consequence: splice acceptor variant.
Genome position (GRCh38, 1-based): chr14:87,950,750, T>C on the plus strand (A>G on the coding strand, the complement: GALC is on the minus strand). VCF-style: chr14-87950750-T-C. GRCh37 (hg19) VCF-style: chr14-88417094-T-C.
Other names: c.529-2A>G (NM_001424076.1, NM_001424077.1); c.1084-2A>G (NM_001201402.2); c.1093-2A>G (NM_001201401.2); c.814-2A>G (NM_001424075.1, NM_001424074.1); c.994-2A>G (NM_001424072.1, NM_001424073.1, NM_001424071.1).
Identifiers: ClinVar variation 3075918 (VCV003075918.1), dbSNP rs1168273921, ClinGen allele CA390747109.
Genomic context (GRCh38, chr14:87,950,750, plus strand): 5'-TGTTGTGACACATTGAAATAAGGAAGAAATGGCCGTATGCACTTAGAATGTTTATGACTC[T>C]GAAAAAAAAAAATCACATACATTATCCAAATGATGTATAAGCTACCTTAGGGGAAAAAAA-3'

ClinVar aggregate classification (germline): Likely pathogenic (1 of 4 stars; one submission).

Conditions:
Galactosylceramide beta-galactosidase deficiency. Also called: GALACTOCEREBROSIDASE DEFICIENCY; GALC DEFICIENCY; GLOBOID CELL LEUKOENCEPHALOPATHY; Leukodystrophy, Globoid Cell; Krabbe Disease. Identifiers: Orphanet 487, MedGen C0023521, MONDO:0009499, OMIM 245200.

Allele frequency attached by ClinVar (database versions not stated): gnomAD exomes below 0.00001; TOPMed below 0.00001.
gnomAD v4.1: 1 of 1,444,516 alleles (0.000069%); highest among the groups gnomAD compares: Non-Finnish European, 0.000092%; no homozygotes.

Submission:

Laboratory for Molecular Medicine, Mass General Brigham Personalized Medicine
Classification: Likely pathogenic for Galactosylceramide beta-galactosidase deficiency. Last evaluated: 2023-02-02. Review status: criteria provided, single submitter. Criteria: ACMG Guidelines, 2015. Collection method: clinical testing. Allele origin: germline.
Comment: The c.1162-2A>G variant in GALC has not been reported in individuals with Krabbe disease and was absent from large population databases. This variant occurs within the canonical splice site (+/- 1,2) and is predicted to cause altered splicing leading to an abnormal or absent protein. Loss of function of the GALC gene is an established disease mechanism in autosomal recessive Krabbe disease. In summary, though additional studies are required to fully establish its clinical significance, this variant meets criteria to be classified as likely pathogenic for autosomal recessive Krabbe disease. ACMG/AMP criteria applied: PVS1_Strong, PM2_Supporting.